The following is an entry in ClinVar:

NM_001035.3(RYR2):c.4692G>A (p.Met1564Ile)

Gene: RYR2 (ryanodine receptor 2; plus strand). Cytogenetic location: 1q43.
Variant type: single nucleotide variant.
Coding change: c.4692G>A on transcript NM_001035.3 (MANE Select); coding-DNA position 4692, G replaced by A.
Protein change: p.Met1564Ile; replaces methionine 1564 with isoleucine.
Molecular consequence: missense variant.
Genome position (GRCh38, 1-based): chr1:237,610,770, G>A. VCF-style: chr1-237610770-G-A. GRCh37 (hg19) VCF-style: chr1-237774070-G-A.
Other names: p.M1564I:ATG>ATA; short protein forms M1564I.
Identifiers: ClinVar variation 155831 (VCV000155831.29), dbSNP rs201675951, ClinGen allele CA009643.

ClinVar aggregate classification (germline): Conflicting classifications of pathogenicity. Review status: criteria provided, conflicting classifications (1 of 4 stars). 9 submissions from 8 submitters: Uncertain significance (6); Likely benign (1). 2 of the submissions do not count toward it. Last evaluated 2026-01-25.

Conditions:
Catecholaminergic polymorphic ventricular tachycardia (CVPT). Also called: Catecholamine-induced polymorphic ventricular tachycardia. Identifiers: Orphanet 3286, MedGen C5574922, MONDO:0017990.
Cardiomyopathy (CMYO). Also called: Cardiomyopathies. Identifiers: Orphanet 167848, MedGen C0878544, MONDO:0004994, HP:0001638. Inheritance: Various modes of inheritance.
Catecholaminergic polymorphic ventricular tachycardia 1. Also called: VENTRICULAR TACHYCARDIA, CATECHOLAMINERGIC POLYMORPHIC, 1, WITH OR WITHOUT ATRIAL DYSFUNCTION AND/OR DILATED CARDIOMYOPATHY; RYR2-Related Catecholaminergic Polymorphic Ventricular Tachycardia; VENTRICULAR TACHYCARDIA, STRESS-INDUCED POLYMORPHIC 1. Identifiers: Orphanet 3286, MedGen C1631597, MONDO:0011484, OMIM 604772.
Primary dilated cardiomyopathy (DCM). Also called: Dilated Cardiomyopathy. Identifiers: Orphanet 217604, MedGen C0007193, MeSH D002311, MONDO:0005021, HP:0001644. Inheritance: Various modes of inheritance.
Primary familial hypertrophic cardiomyopathy (HCM). Identifiers: Orphanet 99739, MedGen C0949658, MeSH D024741, MONDO:0024573. Inheritance: Various modes of inheritance.

Allele frequency attached by ClinVar (database versions not stated): gnomAD 0.00003 and 0.00004; TOPMed 0.00005; ESP Exome Variant Server 0.00008; ExAC 0.00009; gnomAD exomes 0.00009 and 0.00010.

Submissions (9):

Labcorp Genetics (formerly Invitae), Labcorp
Classification: Uncertain significance for Catecholaminergic polymorphic ventricular tachycardia 1. Last evaluated: 2026-01-25. Review status: criteria provided, single submitter. Criteria: Invitae Variant Classification Sherloc (09022015). Collection method: clinical testing. Allele origin: germline.
Comment: This sequence change replaces methionine, which is neutral and non-polar, with isoleucine, which is neutral and non-polar, at codon 1564 of the RYR2 protein (p.Met1564Ile). This variant is present in population databases (rs201675951, gnomAD 0.02%). This missense change has been observed in individual(s) with RYR2-related conditions (PMID: 25163546, 28341588, 30847666, 32152366, 33829027). ClinVar contains an entry for this variant (Variation ID: 155831). Invitae Evidence Modeling of protein sequence and biophysical properties (such as structural, functional, and spatial information, amino acid conservation, physicochemical variation, residue mobility, and thermodynamic stability) indicates that this missense variant is expected to disrupt RYR2 protein function with a positive predictive value of 80%. In summary, the available evidence is currently insufficient to determine the role of this variant in disease. Therefore, it has been classified as a Variant of Uncertain Significance.

Color Diagnostics, LLC DBA Color Health
Classification: Uncertain significance for Cardiomyopathy. Last evaluated: 2025-11-25. Review status: criteria provided, single submitter. Criteria: ACMG Guidelines, 2015. Collection method: clinical testing. Allele origin: germline.
Comment: This missense variant replaces methionine with isoleucine at codon 1564 of the RYR2 protein. Computational prediction is inconclusive regarding the impact of this variant on protein structure and function. To our knowledge, functional studies have not been reported for this variant. This variant has been reported in two related individuals who had no cardiovascular disorders but with a family history of sudden cardiac death (PMID: 33829027) and in two individuals with arrythmia (PMID: 30847666). This variant has been identified in 144/1602928 chromosomes in the general population by the Genome Aggregation Database (gnomAD). The available evidence is insufficient to determine the role of this variant in disease conclusively. Therefore, this variant is classified as a Variant of Uncertain Significance.

Mayo Clinic Laboratories, Mayo Clinic
Classification: Uncertain significance. Last evaluated: 2025-06-05. Review status: criteria provided, single submitter. Criteria: ACMG Guidelines, 2015. Collection method: clinical testing. Allele origin: germline. Observed: 1 variant allele.
Comment: PP2

All of Us Research Program, National Institutes of Health
Classification: Uncertain significance for Catecholaminergic polymorphic ventricular tachycardia. Last evaluated: 2024-08-29. Review status: criteria provided, single submitter. Criteria: ACMG Guidelines, 2015. Collection method: clinical testing. Allele origin: germline. Inheritance: Autosomal dominant inheritance. Observed: 18 variant alleles, 18 heterozygotes.
Comment: This missense variant replaces methionine with isoleucine at codon 1564 of the RYR2 protein. Computational prediction is inconclusive regarding the impact of this variant on protein structure and function (internally defined REVEL score threshold 0.5 < inconclusive < 0.7, PMID: 27666373). To our knowledge, functional studies have not been reported for this variant. This variant has been reported in two related individuals who had no cardiovascular disorders but with a family history of sudden cardiac death (PMID: 33829027). This variant has been identified in 21/235890 chromosomes in the general population by the Genome Aggregation Database (gnomAD). The available evidence is insufficient to determine the role of this variant in disease conclusively. Therefore, this variant is classified as a Variant of Uncertain Significance.

This study involves interpretation of variants in research participants for the purpose of population health screening. Participant phenotype was not available at the time of variant classification. Additional details can be found in publication PMID: 35346344, PMCID: PMC8962531

GeneDx
Classification: Uncertain significance. Last evaluated: 2022-12-27. Review status: criteria provided, single submitter. Criteria: GeneDx Variant Classification Process June 2021. Collection method: clinical testing. Allele origin: germline. Affected: yes.
Comment: Reported in patients with cardiomyopathy and arrhythmia, including primary electrical disease (Haas et al., 2015; Proost et al., 2017; van Lint et al., 2019); In silico analysis, which includes protein predictors and evolutionary conservation, supports a deleterious effect; Not located in one of the three hot-spot regions of the RYR2 gene, where the majority of pathogenic missense variants occur (Medeiros-Domingo et al., 2009); This variant is associated with the following publications: (PMID: 28404607, 25925909, 28341588, 25163546, 30847666, 26582918, 32152366)

Women's Health and Genetics/Laboratory Corporation of America, LabCorp
Classification: Likely benign. Last evaluated: 2022-04-18. Review status: criteria provided, single submitter. Criteria: LabCorp Variant Classification Summary - May 2015. Collection method: clinical testing. Allele origin: germline.
Comment: Variant summary: RYR2 c.4692G>A (p.Met1564Ile) results in a conservative amino acid change in the encoded protein sequence. Three of five in-silico tools predict a damaging effect of the variant on protein function. The variant allele was found at a frequency of 8.9e-05 in 235890 control chromosomes, predominantly at a frequency of 0.00017 within the Non-Finnish European subpopulation in the gnomAD database. The observed variant frequency within Non-Finnish European control individuals in the gnomAD database is approximately 5 fold of the estimated maximal expected allele frequency for a pathogenic variant in RYR2 causing Catecholaminergic Polymorphic Ventricular Tachycardia phenotype (3.4e-05), strongly suggesting that the variant is a benign polymorphism found primarily in populations of Non-Finnish European origin. c.4692G>A has been reported in the literature in individuals affected with Catecholaminergic Polymorphic Ventricular Tachycardia, dilated cardiomyopathy, Cyclic vomiting syndrome or Primary electrical disease (Haas_2014, Lee_2015, Proost_2017, Landstrom_2017, Olubando_2020). These reports do not provide unequivocal conclusions about association of the variant with Catecholaminergic Polymorphic Ventricular Tachycardia. To our knowledge, no experimental evidence demonstrating an impact on protein function has been reported. Four ClinVar submitters (evaluation after 2014) cite the variant as uncertain significance. Based on the evidence outlined above, the variant was classified as likely benign.

Laboratory for Molecular Medicine, Mass General Brigham Personalized Medicine
Classification: Uncertain significance. Last evaluated: 2017-10-10. Review status: criteria provided, single submitter. Criteria: LMM Criteria. Collection method: clinical testing. Allele origin: germline. Observed: 1 variant allele.
Comment: proposed classification - variant undergoing re-assessment, contact laboratory

Blueprint Genetics
Classification: Uncertain significance for Primary dilated cardiomyopathy. Last evaluated: 2014-11-27. Review status: no assertion criteria provided. Collection method: clinical testing. Allele origin: germline. Affected: yes. Observed: 1 variant allele. Not counted in ClinVar's aggregate classification.

Blueprint Genetics
Classification: Uncertain significance for Primary familial hypertrophic cardiomyopathy. Last evaluated: 2014-11-27. Review status: no assertion criteria provided. Collection method: clinical testing. Allele origin: germline. Affected: yes. Observed: 1 variant allele. Not counted in ClinVar's aggregate classification.

Literature cited by the submitters: PubMed 25163546 (cited by 3 submitters); PubMed 28341588 (cited by 3 submitters); PubMed 30847666 (cited by 4 submitters); PubMed 32152366 (cited by 3 submitters); PubMed 33829027 (cited by 4 submitters); PubMed 25925909 (cited by Mayo Clinic Laboratories, Mayo Clinic and Women's Health and Genetics/Laboratory Corporation of America, LabCorp); PubMed 28404607 (cited by Mayo Clinic Laboratories, Mayo Clinic and Women's Health and Genetics/Laboratory Corporation of America, LabCorp).